The following is an entry in ClinVar:

NM_002234.4(KCNA5):c.888del (p.Ala298fs)

Gene: KCNA5 (potassium voltage-gated channel subfamily A member 5; plus strand). Cytogenetic location: 12p13.32.
Variant type: Deletion.
Coding change: c.888del on transcript NM_002234.4 (MANE Select); coding-DNA position 888, one base deleted (T; older notation c.888delT).
Protein change: p.Ala298fs; shifts the reading frame from alanine 298.
Molecular consequence: frameshift variant.
Genome position (GRCh38, 1-based): chr12:5,045,035, T deleted. VCF-style (leftmost placement, unchanged base first): chr12-5045034-CT-C. GRCh37 (hg19) VCF-style: chr12-5154200-CT-C.
Other names: short protein forms A298fs.
Identifiers: ClinVar variation 2754439 (VCV002754439.3), dbSNP rs2497479517, ClinGen allele CA2697559074.

ClinVar aggregate classification (germline): Uncertain significance (1 of 4 stars; one submission).

Conditions:
Atrial fibrillation, familial, 7 (ATFB7). Identifiers: MedGen C2677106, MONDO:0012828, OMIM 612240.

Submission:

Labcorp Genetics (formerly Invitae), Labcorp
Classification: Uncertain significance for Atrial fibrillation, familial, 7. Last evaluated: 2023-08-24. Review status: criteria provided, single submitter. Criteria: Invitae Variant Classification Sherloc (09022015). Collection method: clinical testing. Allele origin: germline.
Comment: In summary, the available evidence is currently insufficient to determine the role of this variant in disease. Therefore, it has been classified as a Variant of Uncertain Significance. This variant has not been reported in the literature in individuals affected with KCNA5-related conditions. This variant is not present in population databases (gnomAD no frequency). This sequence change creates a premature translational stop signal (p.Ala298Profs*60) in the KCNA5 gene. While this is not anticipated to result in nonsense mediated decay, it is expected to disrupt the last 316 amino acid(s) of the KCNA5 protein.